The following is an entry in ClinVar:

ClinVar aggregate classification (germline): Uncertain significance. Review status: criteria provided, multiple submitters, no conflicts (2 of 4 stars). 3 submissions from 3 submitters: Uncertain significance (3). Last evaluated 2025-10-13.

Conditions:
Intellectual disability-facial dysmorphism syndrome due to SETD5 haploinsufficiency (MRD23). Also called: Intellectual developmental disorder, autosomal dominant 23. Identifiers: Orphanet 404440, MedGen C3810406, MONDO:0014336, OMIM 615761.

gnomAD v4.1: 3 of 1,613,802 alleles (0.00019%); highest among the groups gnomAD compares: African/African-American, 0.0027%; no homozygotes.

Submissions (3):

Labcorp Genetics (formerly Invitae), Labcorp
Classification: Uncertain significance. Last evaluated: 2025-10-13. Review status: criteria provided, single submitter. Criteria: Invitae Variant Classification Sherloc (09022015). Collection method: clinical testing. Allele origin: germline.
Comment: This sequence change replaces proline, which is neutral and non-polar, with serine, which is neutral and polar, at codon 866 of the SETD5 protein (p.Pro866Ser). This variant is present in population databases (no rsID available, gnomAD 0.0009%). This variant has not been reported in the literature in individuals affected with SETD5-related conditions. ClinVar contains an entry for this variant (Variation ID: 3892412). Invitae Evidence Modeling of protein sequence and biophysical properties (such as structural, functional, and spatial information, amino acid conservation, physicochemical variation, residue mobility, and thermodynamic stability) indicates that this missense variant is not expected to disrupt SETD5 protein function with a negative predictive value of 80%. In summary, the available evidence is currently insufficient to determine the role of this variant in disease. Therefore, it has been classified as a Variant of Uncertain Significance.

GeneDx
Classification: Uncertain significance. Last evaluated: 2025-04-29. Review status: criteria provided, single submitter. Criteria: GeneDx Variant Classification Process June 2021. Collection method: clinical testing. Allele origin: germline. Affected: yes.
Comment: Not observed at significant frequency in large population cohorts (gnomAD); In silico analysis supports that this missense variant has a deleterious effect on protein structure/function; Has not been previously published as pathogenic or benign to our knowledge

Department of Pathology and Laboratory Medicine, Sinai Health System
Classification: Uncertain significance for Intellectual disability-facial dysmorphism syndrome due to SETD5 haploinsufficiency. Last evaluated: 2022-04-06. Review status: criteria provided, single submitter. Criteria: ACMG Guidelines, 2015. Collection method: research. Allele origin: germline.

NM_001080517.3(SETD5):c.2596C>T (p.Pro866Ser)

Gene: SETD5 (SET domain containing 5; plus strand). Cytogenetic location: 3p25.3.
Variant type: single nucleotide variant.
Coding change: c.2596C>T on transcript NM_001080517.3 (MANE Select); coding-DNA position 2596, C replaced by T.
Protein change: p.Pro866Ser; replaces proline 866 with serine.
Molecular consequence: missense variant.
Genome position (GRCh38, 1-based): chr3:9,464,544, C>T. VCF-style: chr3-9464544-C-T. GRCh37 (hg19) VCF-style: chr3-9506228-C-T.
Other names: c.2596C>T (NM_001080517.1); c.2302C>T, p.Pro768Ser (NM_001292043.2, NM_001349451.2); short protein forms P768S, P866S.
Identifiers: ClinVar variation 3892412 (VCV003892412.3).